The following is an entry in ClinVar:

NC_012920.1(MT-ATP6):m.9010G>A

Gene: MT-ATP6 (mitochondrially encoded ATP synthase 6; plus strand).
Variant type: single nucleotide variant.
Genome position: chrM-9010-G-A.
Identifiers: ClinVar variation 693053 (VCV000693053.1), dbSNP rs1556423589, ClinGen allele CA414801848.

ClinVar aggregate classification (germline): Likely benign (1 of 4 stars; one submission).

Conditions:
Leigh syndrome (NULS). Also called: Leigh's necrotizing encephalopathy; Leigh's disease; Leigh Syndrome (mtDNA deletion); Leigh Disease; Subacute necrotizing encephalopathy; Necrotizing encephalopathy infantile subacute of Leigh. Identifiers: Orphanet 506, MedGen C2931891, MONDO:0009723, OMIM 256000.

Submission:

Wong Mito Lab, Molecular and Human Genetics, Baylor College of Medicine
Classification: Likely benign for Leigh syndrome. Last evaluated: 2019-10-17. Review status: criteria provided, single submitter. Criteria: Modified ACMG Guidelines (Unpublished). Collection method: clinical testing. Allele origin: germline.
Comment: The NC_012920.1:m.9010G>A (YP_003024031.1:p.Ala162Thr) variant in MTATP6 gene is interpretated to be a Likely Benign variant based on the modified ACMG guidelines (unpublished). This variant meets the following evidence codes: BS1, BP6